The following is an entry in ClinVar:

NM_000138.5(FBN1):c.4311del (p.Ser1438fs)

Genes: FBN1 (fibrillin 1; minus strand), LOC126862124 (CDK7 strongly-dependent group 2 enhancer GRCh37_chr15:48764566-48765765; plus strand). Cytogenetic location: 15q21.1.
Variant type: Deletion.
Coding change: c.4311del on transcript NM_000138.5 (MANE Select); coding-DNA position 4311, one base deleted (C; older notation c.4311delC).
Protein change: p.Ser1438fs; shifts the reading frame from serine 1438.
Molecular consequence: frameshift variant.
Genome position (GRCh38, 1-based): chr15:48,472,576, G deleted on the plus strand (C on the coding strand, the reverse complement: FBN1 is on the minus strand); the first of 3 consecutive G bases (chr15:48,472,576-48,472,578); deleting any one gives the same sequence. VCF-style (leftmost placement, unchanged base first): chr15-48472575-TG-T. GRCh37 (hg19) VCF-style: chr15-48764772-TG-T.
Other names: short protein forms S1438fs.
Identifiers: ClinVar variation 1339755 (VCV001339755.6), dbSNP rs2141277871, ClinGen allele CA2573054035.

ClinVar aggregate classification (germline): Pathogenic/Likely pathogenic. Review status: criteria provided, multiple submitters, no conflicts (2 of 4 stars). 2 submissions from 2 submitters: Pathogenic (1); Likely pathogenic (1). Last evaluated 2022-11-30.

Conditions:
Marfan syndrome (MFS). Also called: Marfan syndrome type 1; Marfan's syndrome; FBN1-Related Marfan Syndrome; MARFAN SYNDROME, TYPE I; Marfan syndrome, classic. Identifiers: Orphanet 284963, Orphanet 558, MedGen C0024796, MONDO:0007947, OMIM 154700.
Familial thoracic aortic aneurysm and aortic dissection (TAAD). Also called: Thoracic aortic aneurysms and dissections. Identifiers: Orphanet 91387, MedGen C4707243, MONDO:0019625.
Marfan Syndrome/Loeys-Dietz Syndrome/Familial Thoracic Aortic Aneurysms and Dissections. Identifiers: MedGen CN229799.

Submissions (2):

Labcorp Genetics (formerly Invitae), Labcorp
Classification: Pathogenic for Marfan syndrome; Familial thoracic aortic aneurysm and aortic dissection. Last evaluated: 2022-11-30. Review status: criteria provided, single submitter. Criteria: Invitae Variant Classification Sherloc (09022015). Collection method: clinical testing. Allele origin: germline.
Comment: This variant is not present in population databases (gnomAD no frequency). For these reasons, this variant has been classified as Pathogenic. ClinVar contains an entry for this variant (Variation ID: 1339755). This variant has not been reported in the literature in individuals affected with FBN1-related conditions. This sequence change creates a premature translational stop signal (p.Ser1438Valfs*37) in the FBN1 gene. It is expected to result in an absent or disrupted protein product. Loss-of-function variants in FBN1 are known to be pathogenic (PMID: 17657824, 19293843).

Women's Health and Genetics/Laboratory Corporation of America, LabCorp
Classification: Likely pathogenic for Marfan Syndrome/Loeys-Dietz Syndrome/Familial Thoracic Aortic Aneurysms and Dissections. Last evaluated: 2022-01-31. Review status: criteria provided, single submitter. Criteria: LabCorp Variant Classification Summary - May 2015. Collection method: clinical testing. Allele origin: germline.
Comment: Variant summary: FBN1 c.4311delC (p.Ser1438ValfsX37) results in a premature termination codon, predicted to cause a truncation of the encoded protein or absence of the protein due to nonsense mediated decay, which are commonly known mechanisms for disease. Truncations downstream of this position have been classified as pathogenic by our laboratory. The variant was absent in 251370 control chromosomes (gnomAD). To our knowledge, no occurrence of c.4311delC in individuals affected with Marfan Syndrome and no experimental evidence demonstrating its impact on protein function have been reported. No clinical diagnostic laboratories have submitted clinical-significance assessments for this variant to ClinVar after 2014. Based on the evidence outlined above, the variant was classified as likely pathogenic.

Literature cited by the submitters: PubMed 17657824 (cited by Labcorp Genetics (formerly Invitae), Labcorp); PubMed 19293843 (cited by Labcorp Genetics (formerly Invitae), Labcorp).